The following is an entry in ClinVar:

NM_001130009.3(GEN1):c.211G>A (p.Val71Ile)

Gene: GEN1 (GEN1 Holliday junction 5' flap endonuclease; plus strand). Cytogenetic location: 2p24.2.
Variant type: single nucleotide variant.
Coding change: c.211G>A on transcript NM_001130009.3 (MANE Select); coding-DNA position 211, G replaced by A.
Protein change: p.Val71Ile; replaces valine 71 with isoleucine.
Molecular consequence: missense variant.
Genome position (GRCh38, 1-based): chr2:17,761,445, G>A. VCF-style: chr2-17761445-G-A. GRCh37 (hg19) VCF-style: chr2-17942712-G-A.
Other names: c.211G>A, p.Val71Ile (NM_182625.5); short protein forms V71I.
Identifiers: ClinVar variation 3519744 (VCV003519744.1).
Genomic context (GRCh38, chr2:17,761,445, plus strand): 5'-ATATATTTCAGGAACTTATTTTTTCGTATCTCATATTTAACACAAATGGATGTAAAACTG[G>A]TATTTGTTATGGAAGGGGAACCACCAAAGCTGAAAGCTGATGTCATAAGCAAGAGGAATC-3'
Protein context (NP_001123481.3, residues 61-81): SYLTQMDVKL[Val71Ile]FVMEGEPPKL

ClinVar aggregate classification (germline): Uncertain significance (1 of 4 stars; one submission).

gnomAD v4.1: 1 of 1,611,000 alleles (0.000062%); highest among the groups gnomAD compares: Non-Finnish European, 0.000085%; no homozygotes.

Submission:

Ambry Genetics
Classification: Uncertain significance. Last evaluated: 2024-11-25. Review status: criteria provided, single submitter. Criteria: Ambry Variant Classification Scheme 2023. Collection method: clinical testing. Allele origin: germline.
Comment: The p.V71I variant (also known as c.211G>A), located in coding exon 2 of the GEN1 gene, results from a G to A substitution at nucleotide position 211. The valine at codon 71 is replaced by isoleucine, an amino acid with highly similar properties. This amino acid position is conserved. In addition, this alteration is predicted to be tolerated by in silico analysis. Based on the available evidence, the clinical significance of this variant remains unclear.